The following is an entry in ClinVar:

ClinVar aggregate classification (germline): Uncertain significance (1 of 4 stars; one submission).

Conditions:
Retinitis pigmentosa 12 (RP12). Also called: RP WITH OR WITHOUT PPRPE; RP WITH OR WITHOUT PRESERVED PARAARTERIOLE RETINAL PIGMENT EPITHELIUM; RETINITIS PIGMENTOSA WITH OR WITHOUT PARAARTERIOLAR PRESERVATION OF RETINAL PIGMENT EPITHELIUM. Identifiers: Orphanet 791, MedGen C1838647, MONDO:0010818, OMIM 600105.

Submission:

3billion
Classification: Uncertain significance for Retinitis pigmentosa 12. Last evaluated: 2023-07-12. Review status: criteria provided, single submitter. Criteria: ACMG Guidelines, 2015. Collection method: clinical testing. Allele origin: germline. Affected: yes.
Comment: The variant is not observed in the gnomAD v2.1.1 dataset. Predicted Consequence/Location: Missense variant In silico tool predictions suggest damaging effect of the variant on gene or gene product (REVEL: 0.28; 3Cnet: 0.61). Therefore, this variant is classified as VUS according to the recommendation of ACMG/AMP guideline.

NM_201253.3(CRB1):c.3136T>C (p.Ser1046Pro)

Gene: CRB1 (crumbs cell polarity complex component 1; plus strand). Cytogenetic location: 1q31.3.
Variant type: single nucleotide variant.
Coding change: c.3136T>C on transcript NM_201253.3 (MANE Select); coding-DNA position 3136, T replaced by C.
Protein change: p.Ser1046Pro; replaces serine 1046 with proline.
Molecular consequence: missense variant. On other transcripts: non-coding transcript variant (2), intron variant (1).
Genome position (GRCh38, 1-based): chr1:197,434,999, T>C. VCF-style: chr1-197434999-T-C. GRCh37 (hg19) VCF-style: chr1-197404129-T-C.
Other names: c.2800T>C, p.Ser934Pro (NM_001193640.2); c.3064T>C, p.Ser1022Pro (NM_001257965.2); c.2129-601T>C (NM_001257966.2); short protein forms S1022P, S1046P, S934P.
Identifiers: ClinVar variation 3776276 (VCV003776276.1).